The following is an entry in ClinVar:

NM_001130987.2(DYSF):c.2034G>A (p.Val678=)

Gene: DYSF (dysferlin; plus strand). Cytogenetic location: 2p13.2.
Variant type: single nucleotide variant.
Coding change: c.2034G>A on transcript NM_001130987.2 (MANE Select); coding-DNA position 2034, G replaced by A.
Protein change: p.Val678=; no amino-acid change (valine 678 retained).
Molecular consequence: synonymous variant.
Genome position (GRCh38, 1-based): chr2:71,553,856, G>A. VCF-style: chr2-71553856-G-A. GRCh37 (hg19) VCF-style: chr2-71780986-G-A.
Other names: p.Val660=; c.1983G>A, p.Val661= (NM_001130455.2, NM_001130983.2); c.1938G>A, p.Val646= (NM_001130976.2, NM_001130977.2); c.1980G>A, p.Val660= (NM_001130978.2, NM_003494.4); c.2073G>A, p.Val691= (NM_001130979.2); c.2031G>A, p.Val677= (NM_001130980.2, NM_001130981.2); c.2076G>A, p.Val692= (NM_001130982.2); c.1941G>A, p.Val647= (NM_001130984.2, NM_001130986.2); and 1 more.
Identifiers: ClinVar variation 290831 (VCV000290831.22), dbSNP rs138111360, ClinGen allele CA1706029.
Genomic context (GRCh38, chr2:71,553,856, plus strand): 5'-CTCCATTCCAGGGTGCCACTACTACTACCTACCCTGGGGTAACGTGAAACCTGTGGTGGT[G>A]CTGTCATCCTACTGGGAGGACATCAGCCATAGAATCGAGACTCAGAACCAGCTGCTTGGG-3'
Protein context (NP_001124459.1, residues 668-688): LPWGNVKPVV[Val678=]LSSYWEDISH

ClinVar aggregate classification (germline): Conflicting classifications of pathogenicity. Review status: criteria provided, conflicting classifications (1 of 4 stars). 6 submissions from 6 submitters: Uncertain significance (1); Benign (1); Likely benign (3). 1 of the submissions does not count toward it. Last evaluated 2026-01-28.

Conditions:
Neuromuscular disease caused by qualitative or quantitative defects of dysferlin. Also called: Qualitative or quantitative defects of dysferlin; Dysferlinopathy. Identifiers: Orphanet 207073, MedGen C2931687, MONDO:0016145.
Autosomal recessive limb-girdle muscular dystrophy type 2B (LGMDR2). Also called: MUSCULAR DYSTROPHY, LIMB-GIRDLE, TYPE 3; MUSCULAR DYSTROPHY, LIMB-GIRDLE, AUTOSOMAL RECESSIVE 2; Limb-Girdle Muscular Dystrophy Type 2B (LGMD2B); Limb-girdle muscular dystrophy, type 2B. Identifiers: Orphanet 268, MedGen C1850889, MONDO:0009676, OMIM 253601.

Allele frequency attached by ClinVar (database versions not stated): gnomAD exomes 0.00006 and 0.00017; ExAC 0.00023; ESP Exome Variant Server 0.00046; gnomAD 0.00071 and 0.00076; TOPMed 0.00079; 1000 Genomes Project 0.00120; 1000 Genomes Project 30x 0.00125.
gnomAD v4.1: 204 of 1,613,872 alleles (0.013%); highest among the groups gnomAD compares: African/African-American, 0.25%; no homozygotes.

Submissions (6):

Labcorp Genetics (formerly Invitae), Labcorp
Classification: Benign for Neuromuscular disease caused by qualitative or quantitative defects of dysferlin. Last evaluated: 2026-01-28. Review status: criteria provided, single submitter. Criteria: Invitae Variant Classification Sherloc (09022015). Collection method: clinical testing. Allele origin: germline.

Mayo Clinic Laboratories, Mayo Clinic
Classification: Likely benign. Last evaluated: 2025-10-01. Review status: criteria provided, single submitter. Criteria: ACMG Guidelines, 2015. Collection method: clinical testing. Allele origin: germline. Observed: 2 variant alleles.
Comment: BP4, BP7

Blueprint Genetics
Classification: Likely benign. Last evaluated: 2024-10-24. Review status: criteria provided, single submitter. Criteria: ACMG Guidelines, 2015. Collection method: clinical testing. Allele origin: germline.

GeneDx
Classification: Likely benign. Last evaluated: 2019-11-08. Review status: criteria provided, single submitter. Criteria: GeneDx Variant Classification Process June 2021. Collection method: clinical testing. Allele origin: germline. Affected: yes.
Comment: This variant is associated with the following publications: (PMID: 18853459)

Eurofins Ntd Llc (ga)
Classification: Uncertain significance. Last evaluated: 2016-09-28. Review status: criteria provided, single submitter. Criteria: EGL Classification Definitions 2015. Collection method: clinical testing. Allele origin: germline. Observed: 3 variant alleles, 3 heterozygotes.

Natera, Inc.
Classification: Likely benign for Limb-girdle muscular dystrophy type 2B. Last evaluated: 2020-02-05. Review status: no assertion criteria provided. Collection method: clinical testing. Allele origin: germline. Not counted in ClinVar's aggregate classification.